The following is an entry in ClinVar:

ClinVar aggregate classification (germline): Uncertain significance (1 of 4 stars; one submission).

Submission:

Labcorp Genetics (formerly Invitae), Labcorp
Classification: Uncertain significance. Last evaluated: 2024-10-19. Review status: criteria provided, single submitter. Criteria: Invitae Variant Classification Sherloc (09022015). Collection method: clinical testing. Allele origin: germline.
Comment: This sequence change replaces glycine, which is neutral and non-polar, with glutamic acid, which is acidic and polar, at codon 106 of the ADAMTS17 protein (p.Gly106Glu). Information on the frequency of this variant in the gnomAD database is not available, as this variant may be reported differently in the database. This variant has not been reported in the literature in individuals affected with ADAMTS17-related conditions. An algorithm developed to predict the effect of missense changes on protein structure and function (PolyPhen-2) suggests that this variant is likely to be disruptive. In summary, the available evidence is currently insufficient to determine the role of this variant in disease. Therefore, it has been classified as a Variant of Uncertain Significance.

NM_139057.4(ADAMTS17):c.317_318delinsAA (p.Gly106Glu)

Gene: ADAMTS17 (ADAM metallopeptidase with thrombospondin type 1 motif 17; minus strand). Cytogenetic location: 15q26.3.
Variant type: Indel.
Coding change: c.317_318delinsAA on transcript NM_139057.4 (MANE Select); coding-DNA positions 317 to 318, GC replaced by AA.
Protein change: p.Gly106Glu; replaces glycine 106 with glutamic acid.
Molecular consequence: missense variant.
Genome position (GRCh38, 1-based): chr15:100,341,171-100,341,172, GC replaced by TT on the plus strand (GC replaced by AA on the coding strand, the reverse complement: ADAMTS17 is on the minus strand). VCF-style: chr15-100341171-GC-TT. GRCh37 (hg19) VCF-style: chr15-100881376-GC-TT.
Other names: short protein forms G106E.
Identifiers: ClinVar variation 3723272 (VCV003723272.2).
Genomic context (GRCh38, chr15:100,341,171, plus strand): 5'-GAAGCACAGCTCGGCGGGGCGGCCGCGGCGCCGGGCCGCGCCCGCCTCCTCCACCTCGAA[GC>TT]CTCGGGACAGGAAGCGCAGGTCGCGGCGCAGCTGAAGGTACAGGTCGCGCCCGAAGGCCG-3'
Protein context (NP_620688.2, residues 96-116): LRRDLRFLSR[Gly106Glu]FEVEEAGAAR